The following is an entry in ClinVar:

ClinVar aggregate classification (germline): Uncertain significance. Review status: criteria provided, multiple submitters, no conflicts (2 of 4 stars). 4 submissions from 4 submitters: Uncertain significance (4). Last evaluated 2023-12-12.

Conditions:
Inborn genetic diseases. Identifiers: MedGen C0950123, MeSH D030342.

Allele frequency attached by ClinVar (database versions not stated): gnomAD exomes 0.00003; ExAC 0.00008; gnomAD 0.00029; ESP Exome Variant Server 0.00031; 1000 Genomes Project 0.00060; 1000 Genomes Project 30x 0.00062.
gnomAD v4.1: 100 of 1,613,848 alleles (0.0062%); highest among the groups gnomAD compares: African/African-American, 0.08%; no homozygotes.

Submissions (4):

Women's Health and Genetics/Laboratory Corporation of America, LabCorp
Classification: Uncertain significance. Last evaluated: 2023-12-12. Review status: criteria provided, single submitter. Criteria: LabCorp Variant Classification Summary - May 2015. Collection method: clinical testing. Allele origin: germline.
Comment: Variant summary: GP9 c.241G>A (p.Asp81Asn) results in a conservative amino acid change in the encoded protein sequence. Five of five in-silico tools predict a benign effect of the variant on protein function. The variant allele was found at a frequency of 7.7e-05 in 247854 control chromosomes, predominantly at a frequency of 0.00074 within the African or African-American subpopulation in the gnomAD database. This frequency is not significantly higher than estimated for a pathogenic variant in GP9 causing Bernard Soulier Syndrome (7.7e-05 vs 0.00074), allowing no conclusion about variant significance. To our knowledge, no occurrence of c.241G>A in individuals affected with Bernard Soulier Syndrome and no experimental evidence demonstrating its impact on protein function have been reported. Two submitters have cited clinical-significance assessments for this variant to ClinVar after 2014. All submitters classified the variant as uncertain significance. Based on the evidence outlined above, the variant was classified as uncertain significance.

Ambry Genetics
Classification: Uncertain significance for Inborn genetic diseases. Last evaluated: 2021-09-17. Review status: criteria provided, single submitter. Criteria: Ambry Variant Classification Scheme 2023. Collection method: clinical testing. Allele origin: germline.

Labcorp Genetics (formerly Invitae), Labcorp
Classification: Uncertain significance. Last evaluated: 2020-10-06. Review status: criteria provided, single submitter. Criteria: Invitae Variant Classification Sherloc (09022015). Collection method: clinical testing. Allele origin: germline.
Comment: This sequence change replaces aspartic acid with asparagine at codon 81 of the GP9 protein (p.Asp81Asn). The aspartic acid residue is moderately conserved and there is a small physicochemical difference between aspartic acid and asparagine. This variant is present in population databases (rs137994346, ExAC 0.06%). This variant has not been reported in the literature in individuals with GP9-related disease. Algorithms developed to predict the effect of missense changes on protein structure and function output the following: SIFT: "Tolerated"; PolyPhen-2: "Benign"; Align-GVGD: "Class C0". The asparagine amino acid residue is found in multiple mammalian species, suggesting that this missense change does not adversely affect protein function. These predictions have not been confirmed by published functional studies and their clinical significance is uncertain. In summary, the available evidence is currently insufficient to determine the role of this variant in disease. Therefore, it has been classified as a Variant of Uncertain Significance.

Blueprint Genetics
Classification: Uncertain significance. Last evaluated: 2019-08-09. Review status: criteria provided, single submitter. Criteria: ACMG Guidelines, 2015. Collection method: clinical testing. Allele origin: germline.

NM_000174.5(GP9):c.241G>A (p.Asp81Asn)

Gene: GP9 (glycoprotein IX platelet; plus strand). Cytogenetic location: 3q21.3.
Variant type: single nucleotide variant.
Coding change: c.241G>A on transcript NM_000174.5 (MANE Select); coding-DNA position 241, G replaced by A.
Protein change: p.Asp81Asn; replaces aspartic acid 81 with asparagine.
Molecular consequence: missense variant.
Genome position (GRCh38, 1-based): chr3:129,061,980, G>A. VCF-style: chr3-129061980-G-A. GRCh37 (hg19) VCF-style: chr3-128780823-G-A.
Other names: c.241G>A (NM_000174.3); short protein forms D81N.
Identifiers: ClinVar variation 2202172 (VCV002202172.4), dbSNP rs137994346, ClinGen allele CA2602669.